The following is an entry in ClinVar:

ClinVar aggregate classification (germline): Likely benign. Review status: criteria provided, multiple submitters, no conflicts (2 of 4 stars). 7 submissions from 7 submitters: Likely benign (6). 1 of the submissions does not count toward it. Last evaluated 2025-12-14.

Conditions:
Neuronal ceroid lipofuscinosis. Also called: Neuronal Ceroid Lipofuscinoses. Identifiers: Orphanet 216, Orphanet 79263, MedGen C0027877, MONDO:0016295. Disease mechanism: loss of function.
CLN3-related disorder. Also called: CLN3-related condition. Identifiers: MedGen CN382248.
Neuronal ceroid lipofuscinosis 3 (CLN3). Identifiers: Orphanet 228346, MedGen C0751383, MONDO:0008767, OMIM 204200.

Allele frequency attached by ClinVar (database versions not stated): gnomAD exomes 0.00004 and 0.00006; gnomAD 0.00005; TOPMed 0.00005; ExAC 0.00007; ESP Exome Variant Server 0.00008.
gnomAD v4.1: 60 of 1,613,272 alleles (0.0037%); highest among the groups gnomAD compares: East Asian, 0.02%; 1 homozygote.

Submissions (7):

Mayo Clinic Laboratories, Mayo Clinic
Classification: Likely benign. Last evaluated: 2025-12-14. Review status: criteria provided, single submitter. Criteria: ACMG Guidelines, 2015. Collection method: clinical testing. Allele origin: germline. Observed: 1 variant allele.
Comment: BP4, BP7

Labcorp Genetics (formerly Invitae), Labcorp
Classification: Likely benign for Neuronal ceroid lipofuscinosis. Last evaluated: 2025-08-09. Review status: criteria provided, single submitter. Criteria: Invitae Variant Classification Sherloc (09022015). Collection method: clinical testing. Allele origin: germline.

PreventionGenetics, part of Exact Sciences
Classification: Likely benign for CLN3-related condition. Last evaluated: 2025-08-01. Review status: criteria provided, single submitter. Criteria: ACMG Guidelines, 2015. Collection method: clinical testing. Allele origin: germline.
Comment: This variant is classified as likely benign based on ACMG/AMP sequence variant interpretation guidelines (Richards et al. 2015 PMID: 25741868, with internal and published modifications).

CeGaT Center for Human Genetics Tuebingen
Classification: Likely benign. Last evaluated: 2023-09-01. Review status: criteria provided, single submitter. Criteria: CeGaT Center For Human Genetics Tuebingen Variant Classification Criteria Version 2. Collection method: clinical testing. Allele origin: germline. Affected: yes. Observed: 1 variant allele.
Comment: CLN3: BP4, BP7

Blueprint Genetics
Classification: Likely benign. Last evaluated: 2022-11-18. Review status: criteria provided, single submitter. Criteria: ACMG Guidelines, 2015. Collection method: clinical testing. Allele origin: germline.

GeneDx
Classification: Likely benign. Last evaluated: 2017-07-24. Review status: criteria provided, single submitter. Criteria: GeneDx Variant Classification (06012015). Collection method: clinical testing. Allele origin: germline. Affected: yes.
Comment: This variant is considered likely benign or benign based on one or more of the following criteria: it is a conservative change, it occurs at a poorly conserved position in the protein, it is predicted to be benign by multiple in silico algorithms, and/or has population frequency not consistent with disease.

Natera, Inc.
Classification: Likely benign for Batten Disease. Last evaluated: 2019-05-20. Review status: no assertion criteria provided. Collection method: clinical testing. Allele origin: germline. Not counted in ClinVar's aggregate classification.

NM_001042432.2(CLN3):c.615C>T (p.Ala205=)

Gene: CLN3 (CLN3 lysosomal/endosomal transmembrane protein, battenin; minus strand). Cytogenetic location: 16p12.1.
Variant type: single nucleotide variant.
Coding change: c.615C>T on transcript NM_001042432.2 (MANE Select); coding-DNA position 615, C replaced by T.
Protein change: p.Ala205=; no amino-acid change (alanine 205 retained).
Molecular consequence: synonymous variant.
Genome position (GRCh38, 1-based): chr16:28,486,409, G>A on the plus strand (C>T on the coding strand, the complement: CLN3 is on the minus strand). VCF-style: chr16-28486409-G-A. GRCh37 (hg19) VCF-style: chr16-28497730-G-A.
Other names: p.Ala205=; c.615C>T, p.Ala205= (NM_000086.2); c.543C>T, p.Ala181= (NM_001286104.2); c.315C>T, p.Ala105= (NM_001286105.2); c.381C>T, p.Ala127= (NM_001286109.2); c.453C>T, p.Ala151= (NM_001286110.2).
Identifiers: ClinVar variation 511038 (VCV000511038.40), dbSNP rs145631076, ClinGen allele CA7980875.